The following is an entry in ClinVar:

NM_003942.3(RPS6KA4):c.1305G>A (p.Gln435=)

Gene: RPS6KA4 (ribosomal protein S6 kinase A4; plus strand). Cytogenetic location: 11q13.1.
Variant type: single nucleotide variant.
Coding change: c.1305G>A on transcript NM_003942.3 (MANE Select); coding-DNA position 1305, G replaced by A.
Protein change: p.Gln435=; no amino-acid change (glutamine 435 retained).
Molecular consequence: synonymous variant.
Genome position (GRCh38, 1-based): chr11:64,368,572, G>A. VCF-style: chr11-64368572-G-A. GRCh37 (hg19) VCF-style: chr11-64136044-G-A.
Other names: c.1287G>A, p.Gln429= (NM_001006944.2); c.1284G>A, p.Gln428= (NM_001300802.2); c.1116G>A, p.Gln372= (NM_001318361.2).
Identifiers: ClinVar variation 2641923 (VCV002641923.24), dbSNP rs144214742, ClinGen allele CA6076012.

ClinVar aggregate classification (germline): Likely benign (1 of 4 stars; one submission).

Allele frequency attached by ClinVar (database versions not stated): 1000 Genomes Project 30x 0.00031; 1000 Genomes Project 0.00040; ESP Exome Variant Server 0.00194; ExAC 0.00259.
gnomAD v4.1: 4,264 of 1,600,408 alleles (0.27%); highest among the groups gnomAD compares: Non-Finnish European, 0.34%; 10 homozygotes.

Submission:

CeGaT Center for Human Genetics Tuebingen
Classification: Likely benign. Last evaluated: 2022-07-01. Review status: criteria provided, single submitter. Criteria: CeGaT Center For Human Genetics Tuebingen Variant Classification Criteria Version 2. Collection method: clinical testing. Allele origin: germline. Affected: yes. Observed: 1 variant allele.
Comment: RPS6KA4: BP4, BP7